The following is an entry in ClinVar:

NM_000256.3(MYBPC3):c.1227-5C>A

Gene: MYBPC3 (myosin binding protein C3; minus strand). Cytogenetic location: 11p11.2.
Variant type: single nucleotide variant.
Coding change: c.1227-5C>A on transcript NM_000256.3 (MANE Select); 5 bases into the intron before coding-DNA position 1227, C replaced by A.
Molecular consequence: intron variant.
Genome position (GRCh38, 1-based): chr11:47,343,150, G>T on the plus strand (C>A on the coding strand, the complement: MYBPC3 is on the minus strand). VCF-style: chr11-47343150-G-T. GRCh37 (hg19) VCF-style: chr11-47364701-G-T.
Identifiers: ClinVar variation 2200944 (VCV002200944.5), dbSNP rs772689571, ClinGen allele CA077949.

ClinVar aggregate classification (germline): Conflicting classifications of pathogenicity. Review status: criteria provided, conflicting classifications (1 of 4 stars). 2 submissions from 2 submitters: Uncertain significance (1); Likely benign (1). Last evaluated 2025-01-14.

Conditions:
Hypertrophic cardiomyopathy. Also called: HYPERTROPHIC MYOCARDIOPATHY. Identifiers: Orphanet 217569, MedGen C0007194, MeSH D002312, MONDO:0005045, HP:0001639.

Allele frequency attached by ClinVar (database versions not stated): gnomAD 0.00001; ExAC 0.00002.

Submissions (2):

Labcorp Genetics (formerly Invitae), Labcorp
Classification: Likely benign for Hypertrophic cardiomyopathy. Last evaluated: 2025-01-14. Review status: criteria provided, single submitter. Criteria: Invitae Variant Classification Sherloc (09022015). Collection method: clinical testing. Allele origin: germline.

All of Us Research Program, National Institutes of Health
Classification: Uncertain significance for Hypertrophic cardiomyopathy. Last evaluated: 2023-05-04. Review status: criteria provided, single submitter. Criteria: ACMG Guidelines, 2015. Collection method: clinical testing. Allele origin: germline. Inheritance: Autosomal dominant inheritance. Observed: 1 variant allele, 1 heterozygote.
Comment: This variant causes a C to A nucleotide substitution at the -5 position of intron 14 of the MYBPC3 gene. To our knowledge, functional studies have not been reported for this variant. This variant has not been reported in individuals affected with MYBPC3-related disorders in the literature. This variant has been identified in 2/241198 chromosomes in the general population by the Genome Aggregation Database (gnomAD). The available evidence is insufficient to determine the role of this variant in disease conclusively. Therefore, this variant is classified as a Variant of Uncertain Significance.

This study involves interpretation of variants in research participants for the purpose of population health screening. Participant phenotype was not available at the time of variant classification. Additional details can be found in publication PMID: 35346344, PMCID: PMC8962531